The following is an entry in ClinVar:

ClinVar aggregate classification (germline): Conflicting classifications of pathogenicity. Review status: criteria provided, conflicting classifications (1 of 4 stars). 4 submissions from 4 submitters: Likely pathogenic (1); Uncertain significance (2). 1 of the submissions does not count toward it. Last evaluated 2024-01-24.

Conditions:
Hyperkalemic periodic paralysis. Also called: Familial hyperkalemic periodic paralysis; Gamstorp disease. Identifiers: Orphanet 682, MedGen C0238357, MONDO:0008224, OMIM 170500, HP:0007215.
Congenital myopathy 22A, classic (CMYO22A). Identifiers: MedGen C5830453, MONDO:0957247, OMIM 620351.
Congenital myasthenic syndrome 16. Identifiers: Orphanet 590, MedGen C3280112, MONDO:0013620, OMIM 614198.

Submissions (4):

Mayo Clinic Laboratories, Mayo Clinic
Classification: Uncertain significance. Last evaluated: 2024-01-24. Review status: criteria provided, single submitter. Criteria: ACMG Guidelines, 2015. Collection method: clinical testing. Allele origin: germline. Observed: 1 variant allele.
Comment: PP3, PM2

Experimental Epileptology, AG Lerche, Hertie Institute for Clinical Brain Research
Classification: Likely pathogenic for Congenital myasthenic syndrome 16. Last evaluated: 2022-05-07. Review status: criteria provided, single submitter. Criteria: ACMG Guidelines, 2015. Collection method: clinical testing. Allele origin: germline. Inheritance: Autosomal recessive inheritance. Affected: yes. Observed: 1 compound heterozygote.
Comment: The variant SCN4A:p.(N1205K) has been identified in compound heterozygous state with a previously known pathogenic variant SCN4A:p.(R1454W). The variant is absent from gnomAD r2.1 and multiple lines of computational evidence support a deleterious effect (CADD: 28.7, GERP++: 3.8, PPh2: 0.97, SIFT: 0). It is located in the highly conserved pore region. FunNCion tool predicted a pathogenic loss of function effect (LOF) with a probability of 0.79. The same amino acid change was previously established as pathogenic in the paralog channels SCN1A (p.N1392K) and SCN5A (p.N1380K). Electrophysiological testing using high-throughput automated patch clamping of the paralog variant in SCN5A (p.N1380K) showed LOF with minimal residual sodium current. SCN4A:p.(N1205K) was therefore classified as likely pathogenic (ACMG criteria: PM2, PM3, PP3, PS1 as supporting, PS3 as supporting).

Labcorp Genetics (formerly Invitae), Labcorp
Classification: Uncertain significance for Hyperkalemic periodic paralysis. Last evaluated: 2021-08-30. Review status: criteria provided, single submitter. Criteria: Invitae Variant Classification Sherloc (09022015). Collection method: clinical testing. Allele origin: germline.

OMIM
Classification: Pathogenic for CONGENITAL MYOPATHY 22A, CLASSIC. Last evaluated: 2025-07-15. Review status: no assertion criteria provided. Collection method: literature only. Allele origin: germline. Not counted in ClinVar's aggregate classification.

Literature cited by the submitters: PubMed 36090556 (cited by Mayo Clinic Laboratories, Mayo Clinic and OMIM); PubMed 32801145 (cited by Experimental Epileptology, AG Lerche, Hertie Institute for Clinical Brain Research); PubMed 35037686 (cited by Experimental Epileptology, AG Lerche, Hertie Institute for Clinical Brain Research); PubMed 32533946 (cited by Experimental Epileptology, AG Lerche, Hertie Institute for Clinical Brain Research); PubMed 26659129 (cited by OMIM).

NM_000334.4(SCN4A):c.3615C>G (p.Asn1205Lys)

Genes: GH-LCR (growth hormone locus control region; plus strand), SCN4A (sodium voltage-gated channel alpha subunit 4; minus strand). Cytogenetic location: 17q23.3.
Variant type: single nucleotide variant.
Coding change: c.3615C>G on transcript NM_000334.4 (MANE Select); coding-DNA position 3615, C replaced by G.
Protein change: p.Asn1205Lys; replaces asparagine 1205 with lysine.
Molecular consequence: missense variant.
Genome position (GRCh38, 1-based): chr17:63,945,465, G>C on the plus strand (C>G on the coding strand, the complement: SCN4A is on the minus strand). VCF-style: chr17-63945465-G-C. GRCh37 (hg19) VCF-style: chr17-62022825-G-C.
Other names: p.Asn1205Lys; short protein forms N1205K.
Identifiers: ClinVar variation 859566 (VCV000859566.36), dbSNP rs1181083611, ClinGen allele CA400617905.
Genomic context (GRCh38, chr17:63,945,465, plus strand): 5'-GACCTTGACATTGAGCCAGCGGACCTGGCCTGTGTGCATGAGGCTCTCGCACTCAGACTT[G>C]TTGTTGACCTCGGAGATGTCGAACCTCTCAGAGGTGGTGGTGTTGATGCAGTAGTAGAAC-3'
Protein context (NP_000325.4, residues 1195-1215): SERFDISEVN[Asn1205Lys]KSECESLMHT